The following is an entry in ClinVar:

ClinVar aggregate classification (germline): Uncertain significance (1 of 4 stars; one submission).

Allele frequency attached by ClinVar (database versions not stated): TOPMed below 0.00001; ExAC 0.00001.
gnomAD v4.1: 9 of 1,530,354 alleles (0.00059%); highest among the groups gnomAD compares: Non-Finnish European, 0.00079%; no homozygotes.

Submission:

Labcorp Genetics (formerly Invitae), Labcorp
Classification: Uncertain significance. Last evaluated: 2023-12-11. Review status: criteria provided, single submitter. Criteria: Invitae Variant Classification Sherloc (09022015). Collection method: clinical testing. Allele origin: germline.
Comment: This sequence change replaces alanine, which is neutral and non-polar, with threonine, which is neutral and polar, at codon 726 of the TONSL protein (p.Ala726Thr). This variant is present in population databases (rs755832601, gnomAD 0.001%). This variant has not been reported in the literature in individuals affected with TONSL-related conditions. ClinVar contains an entry for this variant (Variation ID: 1914724). Advanced modeling of protein sequence and biophysical properties (such as structural, functional, and spatial information, amino acid conservation, physicochemical variation, residue mobility, and thermodynamic stability) performed at Invitae indicates that this missense variant is not expected to disrupt TONSL protein function with a negative predictive value of 80%. In summary, the available evidence is currently insufficient to determine the role of this variant in disease. Therefore, it has been classified as a Variant of Uncertain Significance.

NM_013432.5(TONSL):c.2176G>A (p.Ala726Thr)

Genes: TONSL (tonsoku like, DNA repair protein; minus strand), TONSL-AS1 (TONSL antisense RNA 1; plus strand). Cytogenetic location: 8q24.3.
Variant type: single nucleotide variant.
Coding change: c.2176G>A on transcript NM_013432.5 (MANE Select); coding-DNA position 2176, G replaced by A.
Protein change: p.Ala726Thr; replaces alanine 726 with threonine.
Molecular consequence: missense variant.
Genome position (GRCh38, 1-based): chr8:144,436,257, C>T on the plus strand (G>A on the coding strand, the complement: TONSL is on the minus strand). VCF-style: chr8-144436257-C-T. GRCh37 (hg19) VCF-style: chr8-145661640-C-T.
Other names: short protein forms A726T.
Identifiers: ClinVar variation 1914724 (VCV001914724.5), dbSNP rs755832601, ClinGen allele CA4942902.